The following is an entry in ClinVar:

ClinVar aggregate classification (germline): Benign/Likely benign. Review status: criteria provided, multiple submitters, no conflicts (2 of 4 stars). 4 submissions from 4 submitters: Benign (2); Likely benign (1). 1 of the submissions does not count toward it. Last evaluated 2025-09-08.

Conditions:
CREBBP-related disorder. Also called: CREBBP-related condition; CREBBP-related disorders.
Rubinstein-Taybi syndrome (RSTS). Identifiers: Orphanet 783, MedGen C0035934, MONDO:0019188.
Inborn genetic diseases. Identifiers: MedGen C0950123, MeSH D030342.

gnomAD v4.1: 19 of 1,614,146 alleles (0.0012%); highest among the groups gnomAD compares: Admixed American, 0.032%; no homozygotes.

Submissions (4):

Labcorp Genetics (formerly Invitae), Labcorp
Classification: Benign for Rubinstein-Taybi syndrome. Last evaluated: 2025-09-08. Review status: criteria provided, single submitter. Criteria: Invitae Variant Classification Sherloc (09022015). Collection method: clinical testing. Allele origin: germline.

Ambry Genetics
Classification: Likely benign for Inborn genetic diseases. Last evaluated: 2021-07-14. Review status: criteria provided, single submitter. Criteria: Ambry Variant Classification Scheme 2023. Collection method: clinical testing. Allele origin: germline.

GeneDx
Classification: Benign. Last evaluated: 2020-02-24. Review status: criteria provided, single submitter. Criteria: GeneDx Variant Classification Process June 2021. Collection method: clinical testing. Allele origin: germline. Affected: yes.

PreventionGenetics, part of Exact Sciences
Classification: Likely benign for CREBBP-related condition. Last evaluated: 2022-02-23. Review status: no assertion criteria provided. Collection method: clinical testing. Allele origin: germline. Not counted in ClinVar's aggregate classification.
Comment: This variant is classified as likely benign based on ACMG/AMP sequence variant interpretation guidelines (Richards et al. 2015 PMID: 25741868, with internal and published modifications).

NM_004380.3(CREBBP):c.250C>A (p.Pro84Thr)

Gene: CREBBP (CREB binding lysine acetyltransferase; minus strand). Cytogenetic location: 16p13.3.
Variant type: single nucleotide variant.
Coding change: c.250C>A on transcript NM_004380.3 (MANE Select); coding-DNA position 250, C replaced by A.
Protein change: p.Pro84Thr; replaces proline 84 with threonine.
Molecular consequence: missense variant.
Genome position (GRCh38, 1-based): chr16:3,850,845, G>T on the plus strand (C>A on the coding strand, the complement: CREBBP is on the minus strand). VCF-style: chr16-3850845-G-T. GRCh37 (hg19) VCF-style: chr16-3900846-G-T.
Other names: c.250C>A, p.Pro84Thr (NM_001079846.1); short protein forms P84T.
Identifiers: ClinVar variation 1234598 (VCV001234598.11), dbSNP rs770952413, ClinGen allele CA7870716.